The following is an entry in ClinVar:

NM_006206.6(PDGFRA):c.2181C>G (p.Asn727Lys)

Gene: PDGFRA (platelet derived growth factor receptor alpha; plus strand). Cytogenetic location: 4q12.
Variant type: single nucleotide variant.
Coding change: c.2181C>G on transcript NM_006206.6 (MANE Select); coding-DNA position 2181, C replaced by G.
Protein change: p.Asn727Lys; replaces asparagine 727 with lysine.
Molecular consequence: missense variant.
Genome position (GRCh38, 1-based): chr4:54,280,340, C>G. VCF-style: chr4-54280340-C-G. GRCh37 (hg19) VCF-style: chr4-55146507-C-G.
Other names: c.2181C>G, p.Asn727Lys (NM_001347827.2, NM_001347829.2); c.2256C>G, p.Asn752Lys (NM_001347828.2); c.2220C>G, p.Asn740Lys (NM_001347830.2); short protein forms N740K, N727K, N752K.
Identifiers: ClinVar variation 2828984 (VCV002828984.4), dbSNP rs1724001583, ClinGen allele CA356894242.

ClinVar aggregate classification (germline): Uncertain significance. Review status: criteria provided, multiple submitters, no conflicts (2 of 4 stars). 2 submissions from 2 submitters: Uncertain significance (2). Last evaluated 2024-03-09.

Conditions:
Hereditary cancer-predisposing syndrome. Also called: Neoplastic Syndromes, Hereditary; Tumor predisposition; Hereditary Cancer Syndrome; Hereditary neoplastic syndrome. Identifiers: Orphanet 140162, MedGen C0027672, MeSH D009386, MONDO:0015356.
Gastrointestinal stromal tumor. Also called: Gastrointestinal stromal tumor, somatic; Gastrointestinal stroma tumor. Identifiers: Orphanet 44890, MedGen C0238198, MeSH D046152, MONDO:0011719, OMIM 606764, HP:0100723.

Allele frequency attached by ClinVar (database versions not stated): TOPMed below 0.00001.

Submissions (2):

Ambry Genetics
Classification: Uncertain significance for Hereditary cancer-predisposing syndrome. Last evaluated: 2024-03-09. Review status: criteria provided, single submitter. Criteria: Ambry Variant Classification Scheme 2023. Collection method: clinical testing. Allele origin: germline.
Comment: The p.N727K variant (also known as c.2181C>G), located in coding exon 15 of the PDGFRA gene, results from a C to G substitution at nucleotide position 2181. The asparagine at codon 727 is replaced by lysine, an amino acid with similar properties. This amino acid position is conserved. In addition, this alteration is predicted to be tolerated by in silico analysis. Based on the available evidence, the clinical significance of this alteration remains unclear.

Labcorp Genetics (formerly Invitae), Labcorp
Classification: Uncertain significance for Gastrointestinal stromal tumor. Last evaluated: 2023-01-16. Review status: criteria provided, single submitter. Criteria: Invitae Variant Classification Sherloc (09022015). Collection method: clinical testing. Allele origin: germline.
Comment: In summary, the available evidence is currently insufficient to determine the role of this variant in disease. Therefore, it has been classified as a Variant of Uncertain Significance. Advanced modeling of protein sequence and biophysical properties (such as structural, functional, and spatial information, amino acid conservation, physicochemical variation, residue mobility, and thermodynamic stability) performed at Invitae indicates that this missense variant is not expected to disrupt PDGFRA protein function. This variant has not been reported in the literature in individuals affected with PDGFRA-related conditions. This variant is not present in population databases (gnomAD no frequency). This sequence change replaces asparagine, which is neutral and polar, with lysine, which is basic and polar, at codon 727 of the PDGFRA protein (p.Asn727Lys).